The following is an entry in ClinVar:

NM_032590.5(KDM2B):c.2815C>T (p.Arg939Trp)

Gene: KDM2B (lysine demethylase 2B; minus strand). Cytogenetic location: 12q24.31.
Variant type: single nucleotide variant.
Coding change: c.2815C>T on transcript NM_032590.5 (MANE Select); coding-DNA position 2815, C replaced by T.
Protein change: p.Arg939Trp; replaces arginine 939 with tryptophan.
Molecular consequence: missense variant.
Genome position (GRCh38, 1-based): chr12:121,442,626, G>A on the plus strand (C>T on the coding strand, the complement: KDM2B is on the minus strand). VCF-style: chr12-121442626-G-A. GRCh37 (hg19) VCF-style: chr12-121880429-G-A.
Other names: c.2608C>T, p.Arg870Trp (NM_001005366.2); short protein forms R870W, R939W.
Identifiers: ClinVar variation 3343611 (VCV003343611.2).

ClinVar aggregate classification (germline): Uncertain significance (1 of 4 stars; one submission).

Submission:

GeneDx
Classification: Uncertain significance. Last evaluated: 2026-01-16. Review status: criteria provided, single submitter. Criteria: GeneDx Variant Classification Process June 2021. Collection method: clinical testing. Allele origin: germline.
Comment: Not observed at significant frequency in large population cohorts (gnomAD); In silico analysis supports that this missense variant has a deleterious effect on protein structure/function; Has not been previously published as pathogenic or benign to our knowledge